The following is an entry in ClinVar:

NM_001037333.3(CYFIP2):c.3355C>T (p.His1119Tyr)

Genes: CYFIP2 (cytoplasmic FMR1 interacting protein 2; plus strand), NIPAL4-DT (NIPAL4 divergent transcript; minus strand). Cytogenetic location: 5q33.3.
Variant type: single nucleotide variant.
Coding change: c.3355C>T on transcript NM_001037333.3 (MANE Select); coding-DNA position 3355, C replaced by T.
Protein change: p.His1119Tyr; replaces histidine 1119 with tyrosine.
Molecular consequence: missense variant.
Genome position (GRCh38, 1-based): chr5:157,389,336, C>T. VCF-style: chr5-157389336-C-T. GRCh37 (hg19) VCF-style: chr5-156816344-C-T.
Other names: c.3277C>T, p.His1093Tyr (NM_001291721.2); c.3430C>T, p.His1144Tyr (NM_001291722.2); c.3355C>T, p.His1119Tyr (NM_014376.4); short protein forms H1093Y, H1144Y, H1119Y.
Identifiers: ClinVar variation 2012877 (VCV002012877.4), dbSNP rs2532734714, ClinGen allele CA361982206.

ClinVar aggregate classification (germline): Uncertain significance (1 of 4 stars; one submission).

Submission:

Labcorp Genetics (formerly Invitae), Labcorp
Classification: Uncertain significance. Last evaluated: 2023-10-07. Review status: criteria provided, single submitter. Criteria: Invitae Variant Classification Sherloc (09022015). Collection method: clinical testing. Allele origin: germline.
Comment: This sequence change replaces histidine, which is basic and polar, with tyrosine, which is neutral and polar, at codon 1119 of the CYFIP2 protein (p.His1119Tyr). This variant is not present in population databases (gnomAD no frequency). This variant has not been reported in the literature in individuals affected with CYFIP2-related conditions. ClinVar contains an entry for this variant (Variation ID: 2012877). Experimental studies and prediction algorithms are not available or were not evaluated, and the functional significance of this variant is currently unknown. In summary, the available evidence is currently insufficient to determine the role of this variant in disease. Therefore, it has been classified as a Variant of Uncertain Significance.